The following is an entry in ClinVar:

NM_152703.5(SAMD9L):c.3071C>T (p.Ser1024Phe)

Gene: SAMD9L (sterile alpha motif domain containing 9 like; minus strand). Cytogenetic location: 7q21.2.
Variant type: single nucleotide variant.
Coding change: c.3071C>T on transcript NM_152703.5 (MANE Select); coding-DNA position 3071, C replaced by T.
Protein change: p.Ser1024Phe; replaces serine 1024 with phenylalanine.
Molecular consequence: missense variant.
Genome position (GRCh38, 1-based): chr7:93,132,901, G>A on the plus strand (C>T on the coding strand, the complement: SAMD9L is on the minus strand). VCF-style: chr7-93132901-G-A. GRCh37 (hg19) VCF-style: chr7-92762214-G-A.
Other names: c.3071C>T, p.Ser1024Phe (NM_001303496.3, NM_001303497.3, NM_001303498.3 and 5 more transcripts); c.3071C>T (NM_152703.3); short protein forms S1024F.
Identifiers: ClinVar variation 2714990 (VCV002714990.4), dbSNP rs141306896, ClinGen allele CA4343509.

ClinVar aggregate classification (germline): Uncertain significance. Review status: criteria provided, multiple submitters, no conflicts (2 of 4 stars). 2 submissions from 2 submitters: Uncertain significance (2). Last evaluated 2025-03-30.

Allele frequency attached by ClinVar (database versions not stated): gnomAD exomes 0.00001; ExAC 0.00002; ESP Exome Variant Server 0.00008; TOPMed 0.00008; gnomAD 0.00009; 1000 Genomes Project 30x 0.00016; 1000 Genomes Project 0.00020.
gnomAD v4.1: 20 of 1,613,310 alleles (0.0012%); highest among the groups gnomAD compares: African/African-American, 0.024%; no homozygotes.

Submissions (2):

GeneDx
Classification: Uncertain significance. Last evaluated: 2025-03-30. Review status: criteria provided, single submitter. Criteria: GeneDx Variant Classification Process June 2021. Collection method: clinical testing. Allele origin: germline. Affected: yes.
Comment: Not observed at significant frequency in large population cohorts (gnomAD); In silico analysis indicates that this missense variant does not alter protein structure/function; Has not been previously published as pathogenic or benign to our knowledge; This variant is associated with the following publications: (PMID: 28545555)

Labcorp Genetics (formerly Invitae), Labcorp
Classification: Uncertain significance. Last evaluated: 2022-12-24. Review status: criteria provided, single submitter. Criteria: Invitae Variant Classification Sherloc (09022015). Collection method: clinical testing. Allele origin: germline.
Comment: In summary, the available evidence is currently insufficient to determine the role of this variant in disease. Therefore, it has been classified as a Variant of Uncertain Significance. Advanced modeling of protein sequence and biophysical properties (such as structural, functional, and spatial information, amino acid conservation, physicochemical variation, residue mobility, and thermodynamic stability) performed at Invitae indicates that this missense variant is not expected to disrupt SAMD9L protein function. This variant has not been reported in the literature in individuals affected with SAMD9L-related conditions. This variant is present in population databases (rs141306896, gnomAD 0.02%). This sequence change replaces serine, which is neutral and polar, with phenylalanine, which is neutral and non-polar, at codon 1024 of the SAMD9L protein (p.Ser1024Phe).